The following is an entry in ClinVar:

ClinVar aggregate classification (germline): Pathogenic (1 of 4 stars; one submission).

Submission:

Labcorp Genetics (formerly Invitae), Labcorp
Classification: Pathogenic. Last evaluated: 2023-06-03. Review status: criteria provided, single submitter. Criteria: Invitae Variant Classification Sherloc (09022015). Collection method: clinical testing. Allele origin: germline.
Comment: This sequence change creates a premature translational stop signal (p.Cys2757*) in the DNAH9 gene. It is expected to result in an absent or disrupted protein product. Loss-of-function variants in DNAH9 are known to be pathogenic (PMID: 30471718). This variant is not present in population databases (gnomAD no frequency). This variant has not been reported in the literature in individuals affected with DNAH9-related conditions. For these reasons, this variant has been classified as Pathogenic.

Literature cited by the submitters: PubMed 30471718.

NM_001372.4(DNAH9):c.8271T>A (p.Cys2757Ter)

Gene: DNAH9 (dynein axonemal heavy chain 9; plus strand). Cytogenetic location: 17p12.
Variant type: single nucleotide variant.
Coding change: c.8271T>A on transcript NM_001372.4 (MANE Select); coding-DNA position 8271, T replaced by A.
Protein change: p.Cys2757Ter; replaces cysteine 2757 with a stop codon.
Molecular consequence: nonsense.
Genome position (GRCh38, 1-based): chr17:11,797,644, T>A. VCF-style: chr17-11797644-T-A. GRCh37 (hg19) VCF-style: chr17-11700961-T-A.
Other names: short protein forms C2757*.
Identifiers: ClinVar variation 2790741 (VCV002790741.3), dbSNP rs761795827, ClinGen allele CA398195840.